The following is an entry in ClinVar:

ClinVar aggregate classification (germline): Pathogenic (1 of 4 stars; one submission).

Conditions:
Hereditary hemorrhagic telangiectasia (HHT). Also called: ORW DISEASE; Osler Weber Rendu syndrome; OSLER-RENDU-WEBER DISEASE; Osler hemorrhagic telangiectasia syndrome. Identifiers: Orphanet 774, MedGen C0039445, MONDO:0019180. Disease mechanism: loss of function.

Submission:

Labcorp Genetics (formerly Invitae), Labcorp
Classification: Pathogenic for Hereditary hemorrhagic telangiectasia. Last evaluated: 2024-02-11. Review status: criteria provided, single submitter. Criteria: Invitae Variant Classification Sherloc (09022015). Collection method: clinical testing. Allele origin: germline.
Comment: This sequence change creates a premature translational stop signal (p.Val477Glyfs*24) in the ENG gene. It is expected to result in an absent or disrupted protein product. Loss-of-function variants in ENG are known to be pathogenic (PMID: 15879500). This variant is not present in population databases (gnomAD no frequency). This variant has not been reported in the literature in individuals affected with ENG-related conditions. For these reasons, this variant has been classified as Pathogenic.

Literature cited by the submitters: PubMed 15879500.

NM_001114753.3(ENG):c.1427dup (p.Val477fs)

Genes: ENG (endoglin; minus strand), LOC102723566 (uncharacterized LOC102723566; plus strand). Cytogenetic location: 9q34.11.
Variant type: Duplication.
Coding change: c.1427dup on transcript NM_001114753.3 (MANE Select); coding-DNA position 1427, one base duplicated (A; older notation c.1427dupA).
Protein change: p.Val477fs; shifts the reading frame from valine 477.
Molecular consequence: frameshift variant.
Genome position (GRCh38, 1-based): chr9:127,818,717, T duplicated on the plus strand (A on the coding strand, the reverse complement: ENG is on the minus strand). VCF-style (leftmost placement, unchanged base first): chr9-127818716-C-CT. GRCh37 (hg19) VCF-style: chr9-130580995-C-CT.
Other names: c.1427dup, p.Val477fs (NM_000118.4); c.881dup, p.Val295fs (NM_001278138.2); short protein forms V295fs, V477fs.
Identifiers: ClinVar variation 3640162 (VCV003640162.2).
Genomic context (GRCh38, chr9:127,818,716, plus strand): 5'-AAGGCGGAGAGGAAGTTCCAGGAGCTGGGAGGCCCGAGGGGTGACAGGCATGCCAGGTAC[C>CT]TGCACAAAGCTCTGCTGCCCCGGCTCGATGGTGTTGGAGGCCTGGAGGAAGTGTGGGCTG-3'